The following is an entry in ClinVar:

ClinVar aggregate classification (germline): Uncertain significance (1 of 4 stars; one submission).

Conditions:
Early-infantile DEE. Also called: Early infantile epileptic encephalopathy; Early infantile epileptic encephalopathy with suppression bursts; Ohtahara syndrome. Identifiers: Orphanet 1934, MedGen C0393706, MONDO:0800491.

Allele frequency attached by ClinVar (database versions not stated): gnomAD exomes below 0.00001 and 0.00001; gnomAD 0.00001; TOPMed 0.00001; ExAC 0.00002.
gnomAD v4.1: 8 of 1,614,064 alleles (0.0005%); highest among the groups gnomAD compares: Non-Finnish European, 0.00059%; no homozygotes.

Submission:

Labcorp Genetics (formerly Invitae), Labcorp
Classification: Uncertain significance for Early-infantile DEE. Last evaluated: 2023-06-14. Review status: criteria provided, single submitter. Criteria: Invitae Variant Classification Sherloc (09022015). Collection method: clinical testing. Allele origin: germline.
Comment: In summary, the available evidence is currently insufficient to determine the role of this variant in disease. Therefore, it has been classified as a Variant of Uncertain Significance. This variant disrupts the p.Arg2124 amino acid residue in SPTAN1. Other variant(s) that disrupt this residue have been determined to be pathogenic (Invitae). This suggests that this residue is clinically significant, and that variants that disrupt this residue are likely to be disease-causing. Advanced modeling of protein sequence and biophysical properties (such as structural, functional, and spatial information, amino acid conservation, physicochemical variation, residue mobility, and thermodynamic stability) has been performed at Invitae for this missense variant, however the output from this modeling did not meet the statistical confidence thresholds required to predict the impact of this variant on SPTAN1 protein function. ClinVar contains an entry for this variant (Variation ID: 461233). This variant has not been reported in the literature in individuals affected with SPTAN1-related conditions. This variant is present in population databases (rs763928650, gnomAD 0.02%). This sequence change replaces arginine, which is basic and polar, with histidine, which is basic and polar, at codon 2124 of the SPTAN1 protein (p.Arg2124His).

NM_001130438.3(SPTAN1):c.6371G>A (p.Arg2124His)

Gene: SPTAN1 (spectrin alpha, non-erythrocytic 1; plus strand). Cytogenetic location: 9q34.11.
Variant type: single nucleotide variant.
Coding change: c.6371G>A on transcript NM_001130438.3 (MANE Select); coding-DNA position 6371, G replaced by A.
Protein change: p.Arg2124His; replaces arginine 2124 with histidine.
Molecular consequence: missense variant.
Genome position (GRCh38, 1-based): chr9:128,626,482, G>A. VCF-style: chr9-128626482-G-A. GRCh37 (hg19) VCF-style: chr9-131388761-G-A.
Other names: c.6296G>A, p.Arg2099His (NM_001195532.2); c.6371G>A, p.Arg2124His (NM_001363759.2); c.6311G>A, p.Arg2104His (NM_001363765.2); c.6356G>A, p.Arg2119His (NM_003127.4); short protein forms R2124H, R2099H, R2104H, R2119H.
Identifiers: ClinVar variation 461233 (VCV000461233.4), dbSNP rs763928650, ClinGen allele CA5265698.
Genomic context (GRCh38, chr9:128,626,482, plus strand): 5'-AGGCTTCTGCCTTCAACAGCTGGTTTGAAAATGCAGAGGAGGACTTAACAGACCCCGTGC[G>A]CTGCAACTCCTTGGAAGAAATCAAAGCTTTGCGCGAGGCCCACGACGCCTTCCGCTCCTC-3'
Protein context (NP_001123910.1, residues 2114-2134): NAEEDLTDPV[Arg2124His]CNSLEEIKAL